The following is an entry in ClinVar:

NM_015113.4(ZZEF1):c.2901C>T (p.Val967=)

Gene: ZZEF1 (zinc finger ZZ-type and EF-hand domain containing 1; minus strand). Cytogenetic location: 17p13.2.
Variant type: single nucleotide variant.
Coding change: c.2901C>T on transcript NM_015113.4 (MANE Select); coding-DNA position 2901, C replaced by T.
Protein change: p.Val967=; no amino-acid change (valine 967 retained).
Molecular consequence: synonymous variant.
Genome position (GRCh38, 1-based): chr17:4,077,971, G>A on the plus strand (C>T on the coding strand, the complement: ZZEF1 is on the minus strand). VCF-style: chr17-4077971-G-A. GRCh37 (hg19) VCF-style: chr17-3981265-G-A.
Identifiers: ClinVar variation 2647249 (VCV002647249.24), dbSNP rs138143591, ClinGen allele CA8299599.

ClinVar aggregate classification (germline): Likely benign (1 of 4 stars; one submission).

Allele frequency attached by ClinVar (database versions not stated): TOPMed 0.00029; 1000 Genomes Project 0.00060; 1000 Genomes Project 30x 0.00062; ESP Exome Variant Server 0.00069.
gnomAD v4.1: 922 of 1,614,172 alleles (0.057%); highest among the groups gnomAD compares: Non-Finnish European, 0.073%; no homozygotes.

Submission:

CeGaT Center for Human Genetics Tuebingen
Classification: Likely benign. Last evaluated: 2022-10-01. Review status: criteria provided, single submitter. Criteria: CeGaT Center For Human Genetics Tuebingen Variant Classification Criteria Version 2. Collection method: clinical testing. Allele origin: germline. Affected: yes. Observed: 1 variant allele.
Comment: ZZEF1: BP4, BP7